The following is an entry in ClinVar:

ClinVar aggregate classification (germline): Uncertain significance. Review status: criteria provided, multiple submitters, no conflicts (2 of 4 stars). 4 submissions from 4 submitters: Uncertain significance (4). Last evaluated 2025-12-03.

Conditions:
Infantile nephronophthisis (NPHP2). Also called: Nephronophthisis 2; Nephronophthisis 2, infantile. Identifiers: Orphanet 655, Orphanet 93591, MedGen C1865872, MONDO:0011190, OMIM 602088.
Nephronophthisis. Also called: Juvenile Nephronophthisis. Identifiers: Orphanet 655, MedGen C0687120, MONDO:0019005, HP:0000090.
Inborn genetic diseases. Identifiers: MedGen C0950123, MeSH D030342.

Allele frequency attached by ClinVar (database versions not stated): gnomAD exomes below 0.00001; ExAC 0.00001; TOPMed 0.00005; gnomAD 0.00006.
gnomAD v4.1: 15 of 1,613,464 alleles (0.00093%); highest among the groups gnomAD compares: African/African-American, 0.012%; no homozygotes.

Submissions (4):

Ambry Genetics
Classification: Uncertain significance for Inborn genetic diseases. Last evaluated: 2025-12-03. Review status: criteria provided, single submitter. Criteria: Ambry Variant Classification Scheme 2023. Collection method: clinical testing. Allele origin: germline.

Labcorp Genetics (formerly Invitae), Labcorp
Classification: Uncertain significance for Nephronophthisis. Last evaluated: 2023-12-11. Review status: criteria provided, single submitter. Criteria: Invitae Variant Classification Sherloc (09022015). Collection method: clinical testing. Allele origin: germline.
Comment: This sequence change replaces isoleucine, which is neutral and non-polar, with methionine, which is neutral and non-polar, at codon 891 of the INVS protein (p.Ile891Met). This variant is present in population databases (rs775260392, gnomAD 0.007%). This variant has not been reported in the literature in individuals affected with INVS-related conditions. ClinVar contains an entry for this variant (Variation ID: 1054432). Algorithms developed to predict the effect of missense changes on protein structure and function output the following: SIFT: "Not Available"; PolyPhen-2: "Benign"; Align-GVGD: "Not Available". The methionine amino acid residue is found in multiple mammalian species, which suggests that this missense change does not adversely affect protein function. In summary, the available evidence is currently insufficient to determine the role of this variant in disease. Therefore, it has been classified as a Variant of Uncertain Significance.

Fulgent Genetics
Classification: Uncertain significance for Infantile nephronophthisis. Last evaluated: 2022-05-04. Review status: criteria provided, single submitter. Criteria: ACMG Guidelines, 2015. Collection method: clinical testing. Allele origin: unknown.

Blueprint Genetics
Classification: Uncertain significance. Last evaluated: 2019-02-07. Review status: criteria provided, single submitter. Criteria: ACMG Guidelines, 2015. Collection method: clinical testing. Allele origin: germline.

NM_014425.5(INVS):c.2673T>G (p.Ile891Met)

Gene: INVS (inversin; plus strand). Cytogenetic location: 9q31.1.
Variant type: single nucleotide variant.
Coding change: c.2673T>G on transcript NM_014425.5 (MANE Select); coding-DNA position 2673, T replaced by G.
Protein change: p.Ile891Met; replaces isoleucine 891 with methionine.
Molecular consequence: missense variant. On other transcripts: non-coding transcript variant (1).
Genome position (GRCh38, 1-based): chr9:100,292,930, T>G. VCF-style: chr9-100292930-T-G. GRCh37 (hg19) VCF-style: chr9-103055212-T-G.
Other names: c.2385T>G, p.Ile795Met (NM_001318381.2); c.1695T>G, p.Ile565Met (NM_001318382.2); c.2673T>G (NM_014425.2); short protein forms I565M, I795M, I891M.
Identifiers: ClinVar variation 1054432 (VCV001054432.11), dbSNP rs775260392, ClinGen allele CA5158673.
Genomic context (GRCh38, chr9:100,292,930, plus strand): 5'-TCAGGTATCTAAGGAGACTGATCCAGCACCTGGTCCCCTCTCTGGGCAGAGTGTGAATAT[T>G]GACCTTCTCCCCGTAGAGCTCCGACTGCAGATAATTCAGAGAGAACGAAGGAGGAAGGAG-3'
Protein context (NP_055240.2, residues 881-901): PGPLSGQSVN[Ile891Met]DLLPVELRLQ